The following is an entry in ClinVar:

ClinVar aggregate classification (germline): Uncertain significance (1 of 4 stars; one submission).

Conditions:
Hereditary cancer-predisposing syndrome. Also called: Hereditary neoplastic syndrome; Neoplastic Syndromes, Hereditary; Tumor predisposition; Hereditary Cancer Syndrome. Identifiers: Orphanet 140162, MedGen C0027672, MeSH D009386, MONDO:0015356.

Submission:

Ambry Genetics
Classification: Uncertain significance for Hereditary cancer-predisposing syndrome. Last evaluated: 2020-04-14. Review status: criteria provided, single submitter. Criteria: Ambry Variant Classification Scheme 2023. Collection method: clinical testing. Allele origin: germline.
Comment: The p.R2871K variant (also known as c.8612G>A), located in coding exon 58 of the ATM gene, results from a G to A substitution at nucleotide position 8612. The arginine at codon 2871 is replaced by lysine, an amino acid with highly similar properties. This amino acid position is highly conserved in available vertebrate species. In addition, this alteration is predicted to be deleterious by in silico analysis. Since supporting evidence is limited at this time, the clinical significance of this alteration remains unclear.

NM_000051.4(ATM):c.8612G>A (p.Arg2871Lys)

Genes: ATM (ATM serine/threonine kinase; plus strand), C11orf65 (chromosome 11 open reading frame 65; minus strand). Cytogenetic location: 11q22.3.
Variant type: single nucleotide variant.
Coding change: c.8612G>A on transcript NM_000051.4 (MANE Select); coding-DNA position 8612, G replaced by A.
Protein change: p.Arg2871Lys; replaces arginine 2871 with lysine.
Molecular consequence: missense variant. On other transcripts: intron variant (2).
Genome position (GRCh38, 1-based): chr11:108,347,306, G>A. VCF-style: chr11-108347306-G-A. GRCh37 (hg19) VCF-style: chr11-108218033-G-A.
Other names: c.8612G>A, p.Arg2871Lys (NM_001351834.2); c.641-38235C>T (NM_001330368.2); c.695-12014C>T (NM_001351110.2); short protein forms R2871K.
Identifiers: ClinVar variation 1764042 (VCV001764042.2), dbSNP rs1555139547, ClinGen allele CA382520630.